The following is an entry in ClinVar:

NM_000257.4(MYH7):c.1922G>C (p.Gly641Ala)

Gene: MYH7 (myosin heavy chain 7; minus strand). Cytogenetic location: 14q11.2.
Variant type: single nucleotide variant.
Coding change: c.1922G>C on transcript NM_000257.4 (MANE Select); coding-DNA position 1922, G replaced by C.
Protein change: p.Gly641Ala; replaces glycine 641 with alanine.
Molecular consequence: missense variant.
Genome position (GRCh38, 1-based): chr14:23,427,274, C>G on the plus strand (G>C on the coding strand, the complement: MYH7 is on the minus strand). VCF-style: chr14-23427274-C-G. GRCh37 (hg19) VCF-style: chr14-23896483-C-G.
Other names: short protein forms G641A.
Identifiers: ClinVar variation 505801 (VCV000505801.11), dbSNP rs1555338080, ClinGen allele CA389049527.

ClinVar aggregate classification (germline): Pathogenic/Likely pathogenic. Review status: criteria provided, multiple submitters, no conflicts (2 of 4 stars). 3 submissions from 3 submitters: Pathogenic (2); Likely pathogenic (1). Last evaluated 2025-12-16.

Conditions:
Primary dilated cardiomyopathy (DCM). Also called: Dilated Cardiomyopathy. Identifiers: Orphanet 217604, MedGen C0007193, MeSH D002311, MONDO:0005021, HP:0001644. Inheritance: Various modes of inheritance.
Hypertrophic cardiomyopathy. Also called: HYPERTROPHIC MYOCARDIOPATHY. Identifiers: Orphanet 217569, MedGen C0007194, MeSH D002312, MONDO:0005045, HP:0001639.

Submissions (3):

Labcorp Genetics (formerly Invitae), Labcorp
Classification: Pathogenic for Hypertrophic cardiomyopathy. Last evaluated: 2025-12-16. Review status: criteria provided, single submitter. Criteria: Invitae Variant Classification Sherloc (09022015). Collection method: clinical testing. Allele origin: germline.
Comment: This sequence change replaces glycine, which is neutral and non-polar, with alanine, which is neutral and non-polar, at codon 641 of the MYH7 protein (p.Gly641Ala). This variant is not present in population databases (gnomAD no frequency). This missense change has been observed in individual(s) with dilated cardiomyopathy (PMID: 32458740). In at least one individual the variant was observed to be de novo. ClinVar contains an entry for this variant (Variation ID: 505801). Invitae Evidence Modeling of protein sequence and biophysical properties (such as structural, functional, and spatial information, amino acid conservation, physicochemical variation, residue mobility, and thermodynamic stability) indicates that this missense variant is expected to disrupt MYH7 protein function with a positive predictive value of 95%. This variant is found within a region of MYH7 between codons 181 and 937 that contains the majority of the myosin head domain. Missense variants in this region have been shown to be significantly overrepresented in individuals with hypertrophic cardiomyopathy (PMID: 27532257). For these reasons, this variant has been classified as Pathogenic.

GeneDx
Classification: Pathogenic. Last evaluated: 2024-08-15. Review status: criteria provided, single submitter. Criteria: GeneDx Variant Classification Process June 2021. Collection method: clinical testing. Allele origin: germline. Affected: yes.
Comment: In silico analysis supports that this missense variant has a deleterious effect on protein structure/function; Not observed at significant frequency in large population cohorts (gnomAD); This variant is associated with the following publications: (PMID: 32458740, 27532257, 29300372)

Laboratory for Molecular Medicine, Mass General Brigham Personalized Medicine
Classification: Likely pathogenic for Primary dilated cardiomyopathy. Last evaluated: 2017-06-15. Review status: criteria provided, single submitter. Criteria: LMM Criteria. Collection method: clinical testing. Allele origin: germline. Observed: 1 variant allele.
Comment: The p.Gly641Ala variant in MYH7 has been identified as apparently de novo in 1 i nfant with DCM (LMM data) and was absent from large population studies. Glycine (Gly) at position 641 is highly conserved in mammals and across evolutionarily d istant species, and the change to Alanine (Ala) was predicted to be pathogenic u sing a computational tool clinically validated by our laboratory. This tool's pa thogenic prediction is estimated to be correct 94% of the time (Jordan 2011). Of note, this variant lies in the head region of the protein. Missense variants in this region have been reported and statistically indicated to be more likely to cause disease (Walsh 2016). In summary, although additional studies are require d to fully establish its clinical significance, the p.Gly641Ala variant is likel y pathogenic.

Literature cited by the submitters: PubMed 32458740 (cited by Labcorp Genetics (formerly Invitae), Labcorp); PubMed 27532257 (cited by Labcorp Genetics (formerly Invitae), Labcorp).